The following is an entry in ClinVar:

ClinVar aggregate classification (germline): Uncertain significance (1 of 4 stars; one submission).

Conditions:
Hereditary cancer-predisposing syndrome. Also called: Hereditary Cancer Syndrome; Tumor predisposition; Hereditary neoplastic syndrome; Neoplastic Syndromes, Hereditary. Identifiers: Orphanet 140162, MedGen C0027672, MeSH D009386, MONDO:0015356.
Cardiovascular phenotype. Identifiers: MedGen CN230736.

Submission:

Ambry Genetics
Classification: Uncertain significance for Cardiovascular phenotype; Hereditary cancer-predisposing syndrome. Last evaluated: 2024-08-16. Review status: criteria provided, single submitter. Criteria: Ambry Variant Classification Scheme 2023. Collection method: clinical testing. Allele origin: germline.
Comment: The p.C328G variant (also known as c.982T>G), located in coding exon 9 of the NF1 gene, results from a T to G substitution at nucleotide position 982. The cysteine at codon 328 is replaced by glycine, an amino acid with highly dissimilar properties. This amino acid position is highly conserved in available vertebrate species. In addition, this alteration is predicted to be deleterious by in silico analysis. Based on the available evidence, the clinical significance of this variant remains unclear.

NM_001042492.3(NF1):c.982T>G (p.Cys328Gly)

Gene: NF1 (neurofibromin 1; plus strand). Cytogenetic location: 17q11.2.
Variant type: single nucleotide variant.
Coding change: c.982T>G on transcript NM_001042492.3 (MANE Select); coding-DNA position 982, T replaced by G.
Protein change: p.Cys328Gly; replaces cysteine 328 with glycine.
Molecular consequence: missense variant.
Genome position (GRCh38, 1-based): chr17:31,200,515, T>G. VCF-style: chr17-31200515-T-G. GRCh37 (hg19) VCF-style: chr17-29527533-T-G.
Other names: c.982T>G, p.Cys328Gly (NM_000267.4, NM_001128147.3); short protein forms C328G.
Identifiers: ClinVar variation 3404708 (VCV003404708.1).